The following is an entry in ClinVar:

NM_006947.4(SRP72):c.406G>T (p.Val136Phe)

Gene: SRP72 (signal recognition particle 72; plus strand). Cytogenetic location: 4q12.
Variant type: single nucleotide variant.
Coding change: c.406G>T on transcript NM_006947.4 (MANE Select); coding-DNA position 406, G replaced by T.
Protein change: p.Val136Phe; replaces valine 136 with phenylalanine.
Molecular consequence: missense variant. On other transcripts: non-coding transcript variant (1).
Genome position (GRCh38, 1-based): chr4:56,474,105, G>T. VCF-style: chr4-56474105-G-T. GRCh37 (hg19) VCF-style: chr4-57340271-G-T.
Other names: c.406G>T, p.Val136Phe (NM_001267722.2); short protein forms V136F.
Identifiers: ClinVar variation 3962119 (VCV003962119.1).
Genomic context (GRCh38, chr4:56,474,105, plus strand): 5'-ATTATTCAGTTATACCGTTTGGAACGCTATGATGAATGCTTAGCAGTGTATAGAGATCTC[G>T]TCCGAAACTCCCAAGATGATTATGATGAGGAGAGGAAAACAAACCTTTCAGCAGTTGTTG-3'
Protein context (NP_008878.3, residues 126-146): DECLAVYRDL[Val136Phe]RNSQDDYDEE

ClinVar aggregate classification (germline): Uncertain significance (1 of 4 stars; one submission).

gnomAD v4.1: 1 of 1,614,054 alleles (0.000062%); highest among the groups gnomAD compares: Middle Eastern, 0.017%; no homozygotes.

Submission:

Ambry Genetics
Classification: Uncertain significance. Last evaluated: 2025-05-22. Review status: criteria provided, single submitter. Criteria: Ambry Variant Classification Scheme 2023. Collection method: clinical testing. Allele origin: germline.
Comment: The p.V136F variant (also known as c.406G>T), located in coding exon 4 of the SRP72 gene, results from a G to T substitution at nucleotide position 406. The valine at codon 136 is replaced by phenylalanine, an amino acid with highly similar properties. This amino acid position is conserved. In addition, this alteration is predicted to be tolerated by in silico analysis. Based on the available evidence, the clinical significance of this variant remains unclear.